The following is an entry in ClinVar:

ClinVar aggregate classification (germline): Uncertain significance (1 of 4 stars; one submission).

Conditions:
Susceptibility to respiratory infections associated with CD8alpha chain mutation (IMD116). Also called: Cd8 deficiency, familial; IMMUNODEFICIENCY 116. Identifiers: Orphanet 169085, MedGen C1837065, MONDO:0012161, OMIM 608957.

Submission:

Labcorp Genetics (formerly Invitae), Labcorp
Classification: Uncertain significance for Susceptibility to respiratory infections associated with CD8alpha chain mutation. Last evaluated: 2022-07-26. Review status: criteria provided, single submitter. Criteria: Invitae Variant Classification Sherloc (09022015). Collection method: clinical testing. Allele origin: germline.
Comment: This variant is a gross deletion of the genomic region encompassing exon(s) 1-2 of the CD8A gene, which includes the initiator codon. This deletion extends beyond the assayed region for this gene and therefore may encompass additional genes. It is expected to result in an absent or disrupted protein product. However, the current clinical and genetic evidence is not sufficient to establish whether loss-of-function variants in CD8A cause disease. This variant has not been reported in the literature in individuals affected with CD8A-related conditions. Experimental studies and prediction algorithms are not available or were not evaluated, and the functional significance of this variant is currently unknown. In summary, the available evidence is currently insufficient to determine the role of this variant in disease. Therefore, it has been classified as a Variant of Uncertain Significance.

NC_000002.11:g.(?_87017431)_(87017948_?)del

Gene: CD8A (CD8 subunit alpha; minus strand). Cytogenetic location: 2p11.2.
Variant type: Deletion.
Identifiers: ClinVar variation 1432279 (VCV001432279.5).